The following is an entry in ClinVar:

NM_001164508.2(NEB):c.17553A>G (p.Lys5851=)

Gene: NEB (nebulin; minus strand). Cytogenetic location: 2q23.3.
Variant type: single nucleotide variant.
Coding change: c.17553A>G on transcript NM_001164508.2 (MANE Select); coding-DNA position 17553, A replaced by G.
Protein change: p.Lys5851=; no amino-acid change (lysine 5851 retained).
Molecular consequence: synonymous variant.
Genome position (GRCh38, 1-based): chr2:151,568,699, T>C on the plus strand (A>G on the coding strand, the complement: NEB is on the minus strand). VCF-style: chr2-151568699-T-C. GRCh37 (hg19) VCF-style: chr2-152425213-T-C.
Other names: c.17553A>G, p.Lys5851= (NM_001164507.2, NM_001271208.2); c.12450A>G, p.Lys4150= (NM_004543.5).
Identifiers: ClinVar variation 3053418 (VCV003053418.2), dbSNP rs2552194856, ClinGen allele CA429241127.

ClinVar aggregate classification (germline): Likely benign (0 of 4 stars; one submission).

Conditions:
NEB-related disorder. Also called: NEB-related condition; NEB-Related Disorders.

Submission:

PreventionGenetics, part of Exact Sciences
Classification: Likely benign for NEB-related condition. Last evaluated: 2022-10-10. Review status: no assertion criteria provided. Collection method: clinical testing. Allele origin: germline.
Comment: This variant is classified as likely benign based on ACMG/AMP sequence variant interpretation guidelines (Richards et al. 2015 PMID: 25741868, with internal and published modifications).